The following is an entry in ClinVar:

ClinVar aggregate classification (germline): Conflicting classifications of pathogenicity. Review status: criteria provided, conflicting classifications (1 of 4 stars). 6 submissions from 6 submitters: Uncertain significance (4); Likely benign (2). Last evaluated 2026-04-06.

Conditions:
COL9A3-related disorder. Also called: COL9A3-related condition.
Inborn genetic diseases. Identifiers: MedGen C0950123, MeSH D030342.

Allele frequency attached by ClinVar (database versions not stated): TOPMed 0.00006; gnomAD exomes 0.00009 and 0.00036; gnomAD 0.00010 and 0.00011; ExAC 0.00011; ESP Exome Variant Server 0.00015; 1000 Genomes Project 0.00020; 1000 Genomes Project 30x 0.00031.
gnomAD v4.1: 527 of 1,613,860 alleles (0.033%); highest among the groups gnomAD compares: Non-Finnish European, 0.043%; 2 homozygotes.

Submissions (6):

PreventionGenetics, part of Exact Sciences
Classification: Uncertain significance for COL9A3-related condition. Last evaluated: 2026-04-06. Review status: criteria provided, single submitter. Criteria: ACMG Guidelines, 2015. Collection method: clinical testing. Allele origin: germline.
Comment: The COL9A3 c.1339G>A variant is predicted to result in the amino acid substitution p.Asp447Asn. To our knowledge, this variant has not been reported in the literature. This variant is reported in 0.017% of alleles in individuals of European (Non-Finnish) descent in gnomAD. This variant could be benign. At this time, the clinical significance of this variant is uncertain due to the absence of conclusive functional and genetic evidence.

Labcorp Genetics (formerly Invitae), Labcorp
Classification: Likely benign. Last evaluated: 2025-12-15. Review status: criteria provided, single submitter. Criteria: Invitae Variant Classification Sherloc (09022015). Collection method: clinical testing. Allele origin: germline.

Ambry Genetics
Classification: Uncertain significance for Inborn genetic diseases. Last evaluated: 2025-08-05. Review status: criteria provided, single submitter. Criteria: Ambry Variant Classification Scheme 2023. Collection method: clinical testing. Allele origin: germline.

Laboratory of Genetics, Children's Clinical University Hospital Latvia
Classification: Likely benign. Last evaluated: 2025-02-16. Review status: criteria provided, single submitter. Criteria: ACMG Guidelines, 2015. Collection method: clinical testing. Allele origin: germline. Affected: yes.

Blueprint Genetics
Classification: Uncertain significance. Last evaluated: 2024-04-29. Review status: criteria provided, single submitter. Criteria: ACMG Guidelines, 2015. Collection method: clinical testing. Allele origin: germline.

GeneDx
Classification: Uncertain significance. Last evaluated: 2023-09-20. Review status: criteria provided, single submitter. Criteria: GeneDx Variant Classification Process June 2021. Collection method: clinical testing. Allele origin: germline. Affected: yes.
Comment: Has not been previously published as pathogenic or benign to our knowledge; In silico analysis supports that this missense variant does not alter protein structure/function

NM_001853.4(COL9A3):c.1339G>A (p.Asp447Asn)

Gene: COL9A3 (collagen type IX alpha 3 chain; plus strand). Cytogenetic location: 20q13.33.
Variant type: single nucleotide variant.
Coding change: c.1339G>A on transcript NM_001853.4 (MANE Select); coding-DNA position 1339, G replaced by A.
Protein change: p.Asp447Asn; replaces aspartic acid 447 with asparagine.
Molecular consequence: missense variant.
Genome position (GRCh38, 1-based): chr20:62,833,035, G>A. VCF-style: chr20-62833035-G-A. GRCh37 (hg19) VCF-style: chr20-61464387-G-A.
Other names: short protein forms D447N.
Identifiers: ClinVar variation 1190876 (VCV001190876.17), dbSNP rs200153638, ClinGen allele CA9949911.
Genomic context (GRCh38, chr20:62,833,035, plus strand): 5'-TCATGCATGAACAGCTCTTTTAACTTTGGGGTGTATCGTTTTCAGGGTATTGCAGGTTCC[G>A]ACGGTCTTCCTGGGGATAAAGGAGAACTGGTGAGTAATTAGGTAACCTCACTGTTACCAA-3'
Protein context (NP_001844.3, residues 437-457): PKGDQGIAGS[Asp447Asn]GLPGDKGELG